The following is an entry in ClinVar:

ClinVar aggregate classification (germline): Likely pathogenic (1 of 4 stars; one submission).

Conditions:
Dilated cardiomyopathy 1G (CMD1G). Identifiers: Orphanet 154, MedGen C1858763, MONDO:0011400, OMIM 604145.
Autosomal recessive limb-girdle muscular dystrophy type 2J (LGMDR10). Also called: Limb-girdle muscular dystrophy, type 2J; MUSCULAR DYSTROPHY, LIMB-GIRDLE, AUTOSOMAL RECESSIVE 10. Identifiers: Orphanet 140922, MedGen C1837342, MONDO:0012127, OMIM 608807.

Submission:

Labcorp Genetics (formerly Invitae), Labcorp
Classification: Likely pathogenic for Dilated cardiomyopathy 1G; Autosomal recessive limb-girdle muscular dystrophy type 2J. Last evaluated: 2023-12-13. Review status: criteria provided, single submitter. Criteria: Invitae Variant Classification Sherloc (09022015). Collection method: clinical testing. Allele origin: germline.
Comment: This sequence change creates a premature translational stop signal (p.Val3961Serfs*29) in the TTN gene. While this is not anticipated to result in nonsense mediated decay, it is expected to create a truncated TTN protein. This variant is not present in population databases (gnomAD no frequency). This variant has not been reported in the literature in individuals affected with TTN-related conditions. This variant is located in the I band of TTN (PMID: 25589632). Truncating variants in this region have been reported in individuals affected with autosomal recessive centronuclear myopathy (PMID: 23975875). Truncating variants in this region have also been identified in individuals affected with autosomal dominant dilated cardiomyopathy and/or cardio-related conditions (PMID: 27869827, 32964742). In summary, the currently available evidence indicates that the variant is pathogenic, but additional data are needed to prove that conclusively. Therefore, this variant has been classified as Likely Pathogenic.

Literature cited by the submitters: PubMed 25589632; PubMed 23975875; PubMed 27869827; PubMed 32964742.

NM_001267550.2(TTN):c.11880dup (p.Val3961fs)

Gene: TTN (titin; minus strand). Cytogenetic location: 2q31.2.
Variant type: Duplication.
Coding change: c.11880dup on transcript NM_001267550.2 (MANE Select); coding-DNA position 11880, one base duplicated (A; older notation c.11880dupA).
Protein change: p.Val3961fs; shifts the reading frame from valine 3961.
Molecular consequence: frameshift variant. On other transcripts: intron variant (1).
Genome position (GRCh38, 1-based): chr2:178,741,353, T duplicated on the plus strand (A on the coding strand, the reverse complement: TTN is on the minus strand). VCF-style (leftmost placement, unchanged base first): chr2-178741352-C-CT. GRCh37 (hg19) VCF-style: chr2-179606079-C-CT.
Other names: c.10929dup, p.Val3644fs (NM_001256850.1); c.10791dup, p.Val3598fs (NM_003319.4); c.11166dup, p.Val3723fs (NM_133432.3); c.11367dup, p.Val3790fs (NM_133437.4); c.10361-2993dup (NM_133378.4); short protein forms V3790fs, V3598fs, V3723fs, V3644fs, V3961fs.
Identifiers: ClinVar variation 2921387 (VCV002921387.3), dbSNP rs2530715525, ClinGen allele CA2740096279.